The following is an entry in ClinVar:

ClinVar aggregate classification (germline): Uncertain significance (1 of 4 stars; one submission).

Submission:

Ambry Genetics
Classification: Uncertain significance. Last evaluated: 2022-05-29. Review status: criteria provided, single submitter. Criteria: Ambry Variant Classification Scheme 2023. Collection method: clinical testing. Allele origin: germline.
Comment: The p.S378T variant (also known as c.1132T>A), located in coding exon 3 of the PALLD gene, results from a T to A substitution at nucleotide position 1132. The serine at codon 378 is replaced by threonine, an amino acid with similar properties. This amino acid position is conserved. In addition, this alteration is predicted to be tolerated by in silico analysis. Since supporting evidence is limited at this time, the clinical significance of this alteration remains unclear.

NM_001166108.2(PALLD):c.1132T>A (p.Ser378Thr)

Gene: PALLD (palladin, cytoskeletal associated protein; plus strand). Cytogenetic location: 4q32.3.
Variant type: single nucleotide variant.
Coding change: c.1132T>A on transcript NM_001166108.2 (MANE Select); coding-DNA position 1132, T replaced by A.
Protein change: p.Ser378Thr; replaces serine 378 with threonine.
Molecular consequence: missense variant. On other transcripts: 5 prime UTR variant (1).
Genome position (GRCh38, 1-based): chr4:168,681,376, T>A. VCF-style: chr4-168681376-T-A. GRCh37 (hg19) VCF-style: chr4-169602527-T-A.
Other names: c.-15T>A (NM_001166109.2); c.1132T>A, p.Ser378Thr (NM_016081.4); short protein forms S378T.
Identifiers: ClinVar variation 1728908 (VCV001728908.2), dbSNP rs2531574070, ClinGen allele CA358794079.
Genomic context (GRCh38, chr4:168,681,376, plus strand): 5'-TTTAATACTTTCCCAGGTGCCAGTTCAACAGATTCTGACAGTGAAAGTTTAGCTTTCAAA[T>A]CAAGAGCTGGAGCTATGCCACAGTAAGTGCCTACAATTCCATCGATTATGTGGAAACAAA-3'
Protein context (NP_001159580.1, residues 368-388): DSDSESLAFK[Ser378Thr]RAGAMPQAQK